The following is an entry in ClinVar:

NM_001379200.1(TBX1):c.1036+5G>A

Gene: TBX1 (T-box transcription factor 1; plus strand). Cytogenetic location: 22q11.21.
Variant type: single nucleotide variant.
Coding change: c.1036+5G>A on transcript NM_001379200.1 (MANE Select); 5 bases into the intron after coding-DNA position 1036, G replaced by A.
Molecular consequence: intron variant.
Genome position (GRCh38, 1-based): chr22:19,766,007, G>A. VCF-style: chr22-19766007-G-A. GRCh37 (hg19) VCF-style: chr22-19753530-G-A.
Other names: c.1009+5G>A (NM_005992.1, NM_080646.2, NM_080647.1).
Identifiers: ClinVar variation 4689414 (VCV004689414.2).

ClinVar aggregate classification (germline): Uncertain significance. Review status: criteria provided, multiple submitters, no conflicts (2 of 4 stars). 2 submissions from 2 submitters: Uncertain significance (2). Last evaluated 2026-01-13.

Conditions:
DiGeorge syndrome. Also called: THIRD AND FOURTH PHARYNGEAL POUCH SYNDROME; Catch22. Identifiers: Orphanet 567, MedGen C0012236, MONDO:0008564, OMIM 188400.

gnomAD v4.1: 7 of 1,498,334 alleles (0.00047%); highest among the groups gnomAD compares: South Asian, 0.0012%; no homozygotes.

Submissions (2):

Women's Health and Genetics/Laboratory Corporation of America, LabCorp
Classification: Uncertain significance. Last evaluated: 2026-01-13. Review status: criteria provided, single submitter. Criteria: LabCorp Variant Classification Summary - May 2015. Collection method: clinical testing. Allele origin: germline.
Comment: Variant summary: TBX1 c.1009+5G>A alters a nucleotide located close to a canonical splice site and therefore could affect mRNA splicing, leading to a significantly altered protein sequence. Several computational tools predict a significant impact on normal splicing: Four predict the variant weakens a 5' donor site. However, these predictions have yet to be confirmed by functional studies. The variant was absent in 101038 control chromosomes. The available data on variant occurrences in the general population are insufficient to allow any conclusion about variant significance. To our knowledge, no occurrence of c.1009+5G>A in individuals affected with TBX1-related conditions and no experimental evidence demonstrating its impact on protein function have been reported. No submitters have cited clinical-significance assessments for this variant to ClinVar. Based on the evidence outlined above, the variant was classified as uncertain significance.

Labcorp Genetics (formerly Invitae), Labcorp
Classification: Uncertain significance for DiGeorge syndrome. Last evaluated: 2025-09-01. Review status: criteria provided, single submitter. Criteria: Invitae Variant Classification Sherloc (09022015). Collection method: clinical testing. Allele origin: germline.
Comment: This sequence change falls in intron 8 of the TBX1 gene. It does not directly change the encoded amino acid sequence of the TBX1 protein. It affects a nucleotide within the consensus splice site. This variant is not present in population databases (gnomAD no frequency). This variant has not been reported in the literature in individuals affected with TBX1-related conditions. Variants that disrupt the consensus splice site are a relatively common cause of aberrant splicing (PMID: 17576681, 9536098). Algorithms developed to predict the effect of sequence changes on RNA splicing suggest that this variant is not likely to affect RNA splicing. In summary, the available evidence is currently insufficient to determine the role of this variant in disease. Therefore, it has been classified as a Variant of Uncertain Significance.

Literature cited by the submitters: PubMed 17576681 (cited by Labcorp Genetics (formerly Invitae), Labcorp); PubMed 9536098 (cited by Labcorp Genetics (formerly Invitae), Labcorp).